The following is an entry in ClinVar:

NM_000138.5(FBN1):c.*2091G>A

Gene: FBN1 (fibrillin 1; minus strand). Cytogenetic location: 15q21.1.
Variant type: single nucleotide variant.
Coding change: c.*2091G>A on transcript NM_000138.5 (MANE Select); 2091 bases downstream of the stop codon, G replaced by A.
Molecular consequence: 3 prime UTR variant.
Genome position (GRCh38, 1-based): chr15:48,408,899, C>T on the plus strand (G>A on the coding strand, the complement: FBN1 is on the minus strand). VCF-style: chr15-48408899-C-T. GRCh37 (hg19) VCF-style: chr15-48701096-C-T.
Identifiers: ClinVar variation 316313 (VCV000316313.30), dbSNP rs575922741, ClinGen allele CA10647076.

ClinVar aggregate classification (germline): Conflicting classifications of pathogenicity. Review status: criteria provided, conflicting classifications (1 of 4 stars). 7 submissions from 2 submitters: Uncertain significance (6); Likely benign (1). Last evaluated 2023-04-01.

Conditions:
Weill-Marchesani syndrome. Also called: WM Syndrome; Mesodermal dysmorphodystrophy congenital. Identifiers: Orphanet 3449, MedGen C0265313, MONDO:0018096.
Acromicric dysplasia (ACMICD). Also called: Acromicric skeletal dysplasia. Identifiers: Orphanet 969, MedGen C0265287, MONDO:0007055, OMIM 102370.
Familial thoracic aortic aneurysm and aortic dissection (TAAD). Also called: Thoracic aortic aneurysms and dissections. Identifiers: Orphanet 91387, MedGen C4707243, MONDO:0019625.
Marfan syndrome (MFS). Also called: MARFAN SYNDROME, TYPE I; Marfan syndrome type 1; Marfan's syndrome; FBN1-Related Marfan Syndrome; Marfan syndrome, classic. Identifiers: Orphanet 284963, Orphanet 558, MedGen C0024796, MONDO:0007947, OMIM 154700.
Stiff skin syndrome (SSKS). Identifiers: Orphanet 2833, MedGen C1861456, MONDO:0008492, OMIM 184900.
Ectopia lentis 1, isolated, autosomal dominant (ECTOL1). Identifiers: Orphanet 1885, MedGen C3541518, MONDO:0007514, OMIM 129600.

Allele frequency attached by ClinVar (database versions not stated): 1000 Genomes Project 30x 0.00016; gnomAD 0.00070 and 0.00073; TOPMed 0.00082.

Submissions (7):

CeGaT Center for Human Genetics Tuebingen
Classification: Likely benign. Last evaluated: 2023-04-01. Review status: criteria provided, single submitter. Criteria: CeGaT Center For Human Genetics Tuebingen Variant Classification Criteria Version 2. Collection method: clinical testing. Allele origin: germline. Affected: yes. Observed: 2 variant alleles.
Comment: FBN1: BS1

Illumina Laboratory Services, Illumina
Classification: Uncertain significance for Weill-Marchesani syndrome. Last evaluated: 2018-01-13. Review status: criteria provided, single submitter. Criteria: ICSL Variant Classification Criteria 13 December 2019. Collection method: clinical testing. Allele origin: germline.

Illumina Laboratory Services, Illumina
Classification: Uncertain significance for Ectopia lentis 1, isolated, autosomal dominant. Last evaluated: 2018-01-13. Review status: criteria provided, single submitter. Criteria: ICSL Variant Classification Criteria 13 December 2019. Collection method: clinical testing. Allele origin: germline.

Illumina Laboratory Services, Illumina
Classification: Uncertain significance for Familial thoracic aortic aneurysm and aortic dissection. Last evaluated: 2018-01-13. Review status: criteria provided, single submitter. Criteria: ICSL Variant Classification Criteria 13 December 2019. Collection method: clinical testing. Allele origin: germline.

Illumina Laboratory Services, Illumina
Classification: Uncertain significance for Acromicric dysplasia. Last evaluated: 2018-01-13. Review status: criteria provided, single submitter. Criteria: ICSL Variant Classification Criteria 13 December 2019. Collection method: clinical testing. Allele origin: germline.

Illumina Laboratory Services, Illumina
Classification: Uncertain significance for Stiff skin syndrome. Last evaluated: 2018-01-13. Review status: criteria provided, single submitter. Criteria: ICSL Variant Classification Criteria 13 December 2019. Collection method: clinical testing. Allele origin: germline.

Illumina Laboratory Services, Illumina
Classification: Uncertain significance for Marfan syndrome. Last evaluated: 2018-01-13. Review status: criteria provided, single submitter. Criteria: ICSL Variant Classification Criteria 13 December 2019. Collection method: clinical testing. Allele origin: germline.